The following is an entry in ClinVar:

ClinVar aggregate classification (germline): Uncertain significance (1 of 4 stars; one submission).

Conditions:
Absence seizure. Also called: Absence epilepsy. Identifiers: Orphanet 1941, MedGen C0014553.
Myoclonic epilepsy, juvenile, susceptibility to, 1. Also called: Myoclonic Epilepsy, Juvenile, 1; EJM1. Identifiers: MedGen C1850778, MONDO:0020752, OMIM 254770.

Submission:

Labcorp Genetics (formerly Invitae), Labcorp
Classification: Uncertain significance for Myoclonic epilepsy, juvenile, susceptibility to, 1; Absence seizure. Last evaluated: 2020-08-18. Review status: criteria provided, single submitter. Criteria: Invitae Variant Classification Sherloc (09022015). Collection method: clinical testing. Allele origin: germline.
Comment: This variant is an out-of-frame deletion of the genomic region encompassing exon(s) 6-7 of the EFHC1 gene. This is expected to create a premature translational stop signal and result in an absent or disrupted protein product. In summary, the available evidence is currently insufficient to determine the role of this variant in disease. Therefore, it has been classified as a Variant of Uncertain Significance. The current clinical and genetic evidence is not sufficient to establish whether loss-of-function variants in EFHC1 cause disease. This variant has not been reported in the literature in individuals with EFHC1-related conditions.

NC_000006.11:g.(?_52329683)_(52334281_?)del

Gene: EFHC1 (EF-hand domain containing 1; plus strand). Cytogenetic location: 6p12.2.
Variant type: Deletion.
Identifiers: ClinVar variation 1000342 (VCV001000342.44).